The following is an entry in ClinVar:

NM_005188.4(CBL):c.2657A>C (p.Glu886Ala)

Gene: CBL (Cbl proto-oncogene; plus strand). Cytogenetic location: 11q23.3.
Variant type: single nucleotide variant.
Coding change: c.2657A>C on transcript NM_005188.4 (MANE Select); coding-DNA position 2657, A replaced by C.
Protein change: p.Glu886Ala; replaces glutamic acid 886 with alanine.
Molecular consequence: missense variant.
Genome position (GRCh38, 1-based): chr11:119,299,717, A>C. VCF-style: chr11-119299717-A-C. GRCh37 (hg19) VCF-style: chr11-119170427-A-C.
Other names: short protein forms E886A.
Identifiers: ClinVar variation 3827867 (VCV003827867.1).

ClinVar aggregate classification (germline): Uncertain significance (1 of 4 stars; one submission).

Conditions:
Cardiovascular phenotype. Identifiers: MedGen CN230736.

Submission:

Ambry Genetics
Classification: Uncertain significance for Cardiovascular phenotype. Last evaluated: 2025-03-02. Review status: criteria provided, single submitter. Criteria: Ambry Variant Classification Scheme 2023. Collection method: clinical testing. Allele origin: germline.
Comment: The p.E886A variant (also known as c.2657A>C), located in coding exon 16 of the CBL gene, results from an A to C substitution at nucleotide position 2657. The glutamic acid at codon 886 is replaced by alanine, an amino acid with dissimilar properties. This amino acid position is conserved. In addition, the in silico prediction for this alteration is inconclusive. Based on the available evidence, the clinical significance of this variant remains unclear.